The following is an entry in ClinVar:

ClinVar aggregate classification (germline): Uncertain significance. Review status: criteria provided, single submitter (1 of 4 stars). 2 submissions from 2 submitters: Uncertain significance (1). 1 of the submissions does not count toward it. Last evaluated 2025-07-04.

Conditions:
SAMD14-related disorder. Also called: SAMD14-related condition.

Allele frequency attached by ClinVar (database versions not stated): ExAC 0.00001; gnomAD exomes 0.00002; TOPMed 0.00002; gnomAD 0.00004.

Submissions (2):

Ambry Genetics
Classification: Uncertain significance. Last evaluated: 2025-07-04. Review status: criteria provided, single submitter. Criteria: Ambry Variant Classification Scheme 2023. Collection method: clinical testing. Allele origin: germline.

PreventionGenetics, part of Exact Sciences
Classification: Uncertain significance for SAMD14-related condition. Last evaluated: 2024-02-23. Review status: no assertion criteria provided. Collection method: clinical testing. Allele origin: germline. Not counted in ClinVar's aggregate classification.
Comment: The SAMD14 c.1309C>T variant is predicted to result in the amino acid substitution p.Arg437Cys. To our knowledge, this variant has not been reported in the literature. This variant is reported in 0.025% of alleles in individuals of East Asian descent in gnomAD. At this time, the clinical significance of this variant is uncertain due to the absence of conclusive functional and genetic evidence.

NM_001257359.2(SAMD14):c.1225C>T (p.Arg409Cys)

Gene: SAMD14 (sterile alpha motif domain containing 14; minus strand). Cytogenetic location: 17q21.33.
Variant type: single nucleotide variant.
Coding change: c.1225C>T on transcript NM_001257359.2 (MANE Select); coding-DNA position 1225, C replaced by T.
Protein change: p.Arg409Cys; replaces arginine 409 with cysteine.
Molecular consequence: missense variant.
Genome position (GRCh38, 1-based): chr17:50,112,922, G>A on the plus strand (C>T on the coding strand, the complement: SAMD14 is on the minus strand). VCF-style: chr17-50112922-G-A. GRCh37 (hg19) VCF-style: chr17-48190286-G-A.
Other names: c.1309C>T, p.Arg437Cys (NM_174920.4); c.1309C>T (NM_174920.3); short protein forms R437C, R409C.
Identifiers: ClinVar variation 2480550 (VCV002480550.5), dbSNP rs779187178, ClinGen allele CA8642697.